The following is an entry in ClinVar:

ClinVar aggregate classification (germline): Uncertain significance (1 of 4 stars; one submission).

Conditions:
Osteogenesis imperfecta type 8 (OI8). Identifiers: MedGen C1970458, MONDO:0012581, OMIM 610915.

Submission:

Labcorp Genetics (formerly Invitae), Labcorp
Classification: Uncertain significance for Osteogenesis imperfecta type 8. Last evaluated: 2022-07-04. Review status: criteria provided, single submitter. Criteria: Invitae Variant Classification Sherloc (09022015). Collection method: clinical testing. Allele origin: germline.
Comment: This sequence change replaces alanine, which is neutral and non-polar, with valine, which is neutral and non-polar, at codon 103 of the P3H1 protein (p.Ala103Val). This variant is not present in population databases (gnomAD no frequency). This variant has not been reported in the literature in individuals affected with P3H1-related conditions. Algorithms developed to predict the effect of missense changes on protein structure and function are either unavailable or do not agree on the potential impact of this missense change (SIFT: "Deleterious"; PolyPhen-2: "Benign"; Align-GVGD: "Class C0"). In summary, the available evidence is currently insufficient to determine the role of this variant in disease. Therefore, it has been classified as a Variant of Uncertain Significance.

NM_022356.4(P3H1):c.308C>T (p.Ala103Val)

Gene: P3H1 (prolyl 3-hydroxylase 1; minus strand). Cytogenetic location: 1p34.2.
Variant type: single nucleotide variant.
Coding change: c.308C>T on transcript NM_022356.4 (MANE Select); coding-DNA position 308, C replaced by T.
Protein change: p.Ala103Val; replaces alanine 103 with valine.
Molecular consequence: missense variant.
Genome position (GRCh38, 1-based): chr1:42,766,664, G>A on the plus strand (C>T on the coding strand, the complement: P3H1 is on the minus strand). VCF-style: chr1-42766664-G-A. GRCh37 (hg19) VCF-style: chr1-43232335-G-A.
Other names: c.308C>T, p.Ala103Val (NM_001146289.2, NM_001243246.2); short protein forms A103V.
Identifiers: ClinVar variation 1949910 (VCV001949910.2), dbSNP rs1653018985, ClinGen allele CA339963700.